The following is an entry in ClinVar:

ClinVar aggregate classification (germline): Uncertain significance (1 of 4 stars; one submission).

Conditions:
Werner syndrome (WRN). Identifiers: Orphanet 902, MedGen C0043119, MONDO:0010196, OMIM 277700.

Allele frequency attached by ClinVar (database versions not stated): gnomAD exomes below 0.00001.
gnomAD v4.1: 1 of 1,613,744 alleles (0.000062%); highest among the groups gnomAD compares: Non-Finnish European, 0.000085%; no homozygotes.

Submission:

Labcorp Genetics (formerly Invitae), Labcorp
Classification: Uncertain significance for Werner syndrome. Last evaluated: 2023-08-02. Review status: criteria provided, single submitter. Criteria: Invitae Variant Classification Sherloc (09022015). Collection method: clinical testing. Allele origin: germline.
Comment: This variant has not been reported in the literature in individuals affected with WRN-related conditions. Algorithms developed to predict the effect of missense changes on protein structure and function output the following: SIFT: "Not Available"; PolyPhen-2: "Benign"; Align-GVGD: "Not Available". The alanine amino acid residue is found in multiple mammalian species, which suggests that this missense change does not adversely affect protein function. In summary, the available evidence is currently insufficient to determine the role of this variant in disease. Therefore, it has been classified as a Variant of Uncertain Significance. This variant is not present in population databases (gnomAD no frequency). This sequence change replaces serine, which is neutral and polar, with alanine, which is neutral and non-polar, at codon 1400 of the WRN protein (p.Ser1400Ala).

NM_000553.6(WRN):c.4198T>G (p.Ser1400Ala)

Genes: WRN (WRN RecQ like helicase; plus strand), LOC126860342 (MED14-independent group 3 enhancer GRCh37_chr8:31029565-31030764; plus strand). Cytogenetic location: 8p12.
Variant type: single nucleotide variant.
Coding change: c.4198T>G on transcript NM_000553.6 (MANE Select); coding-DNA position 4198, T replaced by G.
Protein change: p.Ser1400Ala; replaces serine 1400 with alanine.
Molecular consequence: missense variant.
Genome position (GRCh38, 1-based): chr8:31,173,001, T>G. VCF-style: chr8-31173001-T-G. GRCh37 (hg19) VCF-style: chr8-31030517-T-G.
Other names: short protein forms S1400A.
Identifiers: ClinVar variation 2714602 (VCV002714602.3), dbSNP rs2536089051, ClinGen allele CA370911528.